The following is an entry in ClinVar:

ClinVar aggregate classification (germline): Uncertain significance. Review status: criteria provided, multiple submitters, no conflicts (2 of 4 stars). 2 submissions from 2 submitters: Uncertain significance (2). Last evaluated 2025-07-24.

Conditions:
Juvenile polyposis syndrome (JPS). Identifiers: Orphanet 2929, MedGen C0345893, MONDO:0017380, OMIM 174900.
Hereditary cancer-predisposing syndrome. Also called: Hereditary Cancer Syndrome; Tumor predisposition; Hereditary neoplastic syndrome; Neoplastic Syndromes, Hereditary. Identifiers: Orphanet 140162, MedGen C0027672, MeSH D009386, MONDO:0015356.

Submissions (2):

Ambry Genetics
Classification: Uncertain significance for Hereditary cancer-predisposing syndrome. Last evaluated: 2025-07-24. Review status: criteria provided, single submitter. Criteria: Ambry Variant Classification Scheme 2023. Collection method: clinical testing. Allele origin: germline.
Comment: The p.V474M variant (also known as c.1420G>A), located in coding exon 10 of the BMPR1A gene, results from a G to A substitution at nucleotide position 1420. The valine at codon 474 is replaced by methionine, an amino acid with highly similar properties. This amino acid position is highly conserved in available vertebrate species. In addition, the in silico prediction for this alteration is inconclusive. Based on the available evidence, the clinical significance of this variant remains unclear.

Labcorp Genetics (formerly Invitae), Labcorp
Classification: Uncertain significance for Juvenile polyposis syndrome. Last evaluated: 2024-10-02. Review status: criteria provided, single submitter. Criteria: Invitae Variant Classification Sherloc (09022015). Collection method: clinical testing. Allele origin: germline.
Comment: This sequence change replaces valine, which is neutral and non-polar, with methionine, which is neutral and non-polar, at codon 474 of the BMPR1A protein (p.Val474Met). This variant is not present in population databases (gnomAD no frequency). This variant has not been reported in the literature in individuals affected with BMPR1A-related conditions. Invitae Evidence Modeling of protein sequence and biophysical properties (such as structural, functional, and spatial information, amino acid conservation, physicochemical variation, residue mobility, and thermodynamic stability) has been performed for this missense variant. However, the output from this modeling did not meet the statistical confidence thresholds required to predict the impact of this variant on BMPR1A protein function. In summary, the available evidence is currently insufficient to determine the role of this variant in disease. Therefore, it has been classified as a Variant of Uncertain Significance.

NM_004329.3(BMPR1A):c.1420G>A (p.Val474Met)

Gene: BMPR1A (bone morphogenetic protein receptor type 1A; plus strand). Cytogenetic location: 10q23.2.
Variant type: single nucleotide variant.
Coding change: c.1420G>A on transcript NM_004329.3 (MANE Select); coding-DNA position 1420, G replaced by A.
Protein change: p.Val474Met; replaces valine 474 with methionine.
Molecular consequence: missense variant. On other transcripts: non-coding transcript variant (3).
Genome position (GRCh38, 1-based): chr10:86,923,453, G>A. VCF-style: chr10-86923453-G-A. GRCh37 (hg19) VCF-style: chr10-88683210-G-A.
Other names: c.1420G>A, p.Val474Met (NM_001406582.1, NM_001406573.1, NM_001406574.1 and 19 more transcripts); c.1414G>A, p.Val472Met (NM_001406583.1); c.1336G>A, p.Val446Met (NM_001406584.1, NM_001406585.1, NM_001406586.1 and 2 more transcripts); c.1078G>A, p.Val360Met (NM_001406589.1); c.1495G>A, p.Val499Met (NM_001406559.1); c.1468G>A, p.Val490Met (NM_001406560.1); short protein forms V499M, V474M, V490M, V446M, V360M, V472M.
Identifiers: ClinVar variation 3664753 (VCV003664753.3).
Genomic context (GRCh38, chr10:86,923,453, plus strand): 5'-CAATTGCCATATTACAACATGGTACCGAGTGATCCGTCATACGAAGATATGCGTGAGGTT[G>A]TGTGTGTCAAACGTTTGCGGCCAATTGTGTCTAATCGGTGGAACAGTGATGAAGTGAGTG-3'
Protein context (NP_004320.2, residues 464-484): DPSYEDMREV[Val474Met]CVKRLRPIVS